The following is an entry in ClinVar:

NM_014915.3(ANKRD26):c.531+5A>T

Gene: ANKRD26 (ankyrin repeat domain 26; minus strand). Cytogenetic location: 10p12.1.
Variant type: single nucleotide variant.
Coding change: c.531+5A>T on transcript NM_014915.3 (MANE Select); 5 bases into the intron after coding-DNA position 531, A replaced by T.
Molecular consequence: intron variant.
Genome position (GRCh38, 1-based): chr10:27,093,344, T>A on the plus strand (A>T on the coding strand, the complement: ANKRD26 is on the minus strand). VCF-style: chr10-27093344-T-A. GRCh37 (hg19) VCF-style: chr10-27382273-T-A.
Other names: c.531+5A>T (NM_001256053.2).
Identifiers: ClinVar variation 4774700 (VCV004774700.1).
Genomic context (GRCh38, chr10:27,093,344, plus strand): 5'-ACATATGTCACTGTTGAAACAAACGCATTTCAAATACTGTAAAAATAAAGTTGGTTGATC[T>A]ATACCTTGTTTTTTGCTTCAATATTTGCATCATACAAAAGCAGCTTTGTTGCTACTGATA-3'

ClinVar aggregate classification (germline): Uncertain significance (1 of 4 stars; one submission).

Submission:

Labcorp Genetics (formerly Invitae), Labcorp
Classification: Uncertain significance. Last evaluated: 2025-09-28. Review status: criteria provided, single submitter. Criteria: Invitae Variant Classification Sherloc (09022015). Collection method: clinical testing. Allele origin: germline.
Comment: This sequence change falls in intron 3 of the ANKRD26 gene. It does not directly change the encoded amino acid sequence of the ANKRD26 protein. It affects a nucleotide within the consensus splice site. This variant is not present in population databases (gnomAD no frequency). This variant has not been reported in the literature in individuals affected with ANKRD26-related conditions. Variants that disrupt the consensus splice site are a relatively common cause of aberrant splicing (PMID: 17576681, 9536098). Algorithms developed to predict the effect of sequence changes on RNA splicing suggest that this variant is not likely to affect RNA splicing. In summary, the available evidence is currently insufficient to determine the role of this variant in disease. Therefore, it has been classified as a Variant of Uncertain Significance.

Literature cited by the submitters: PubMed 17576681; PubMed 9536098.